The following is an entry in ClinVar:

ClinVar aggregate classification (germline): Uncertain significance (0 of 4 stars; one submission).

Conditions:
SEMA3A-related disorder. Also called: SEMA3A-related condition.

gnomAD v4.1: 42 of 1,608,882 alleles (0.0026%); highest among the groups gnomAD compares: Non-Finnish European, 0.0034%; no homozygotes.

Submission:

PreventionGenetics, part of Exact Sciences
Classification: Uncertain significance for SEMA3A-related condition. Last evaluated: 2024-07-29. Review status: no assertion criteria provided. Collection method: clinical testing. Allele origin: germline.
Comment: The SEMA3A c.1462G>T variant is predicted to result in the amino acid substitution p.Ala488Ser. To our knowledge, this variant has not been reported in the literature. This variant is reported in 0.013% of alleles in individuals of European (Non-Finnish) descent in gnomAD. Although we suspect that this variant may be benign, at this time, the clinical significance of this variant is uncertain due to the absence of conclusive functional and genetic evidence.

NM_006080.3(SEMA3A):c.1462G>T (p.Ala488Ser)

Gene: SEMA3A (semaphorin 3A; minus strand). Cytogenetic location: 7q21.11.
Variant type: single nucleotide variant.
Coding change: c.1462G>T on transcript NM_006080.3 (MANE Select); coding-DNA position 1462, G replaced by T.
Protein change: p.Ala488Ser; replaces alanine 488 with serine.
Molecular consequence: missense variant.
Genome position (GRCh38, 1-based): chr7:83,985,468, C>A on the plus strand (G>T on the coding strand, the complement: SEMA3A is on the minus strand). VCF-style: chr7-83985468-C-A. GRCh37 (hg19) VCF-style: chr7-83614784-C-A.
Other names: short protein forms A488S.
Identifiers: ClinVar variation 3352349 (VCV003352349.1).